The following is an entry in ClinVar:

ClinVar aggregate classification (germline): Uncertain significance (1 of 4 stars; one submission).

Conditions:
Familial cancer of breast. Also called: hereditary breast carcinoma; Hereditary breast cancer; BREAST CANCER, FAMILIAL. Identifiers: Orphanet 227535, MedGen C0346153, MONDO:0016419, OMIM 114480. Disease mechanism: loss of function.

Submission:

Labcorp Genetics (formerly Invitae), Labcorp
Classification: Uncertain significance for Familial cancer of breast. Last evaluated: 2024-05-02. Review status: criteria provided, single submitter. Criteria: Invitae Variant Classification Sherloc (09022015). Collection method: clinical testing. Allele origin: germline.
Comment: This sequence change replaces tyrosine, which is neutral and polar, with cysteine, which is neutral and slightly polar, at codon 512 of the PALB2 protein (p.Tyr512Cys). This variant is not present in population databases (gnomAD no frequency). This variant has not been reported in the literature in individuals affected with PALB2-related conditions. ClinVar contains an entry for this variant (Variation ID: 1038783). Advanced modeling of protein sequence and biophysical properties (such as structural, functional, and spatial information, amino acid conservation, physicochemical variation, residue mobility, and thermodynamic stability) performed at Invitae indicates that this missense variant is not expected to disrupt PALB2 protein function with a negative predictive value of 80%. In summary, the available evidence is currently insufficient to determine the role of this variant in disease. Therefore, it has been classified as a Variant of Uncertain Significance.

NM_024675.4(PALB2):c.1535A>G (p.Tyr512Cys)

Gene: PALB2 (partner and localizer of BRCA2; minus strand). Cytogenetic location: 16p12.2.
Variant type: single nucleotide variant.
Coding change: c.1535A>G on transcript NM_024675.4 (MANE Select); coding-DNA position 1535, A replaced by G.
Protein change: p.Tyr512Cys; replaces tyrosine 512 with cysteine.
Molecular consequence: missense variant.
Genome position (GRCh38, 1-based): chr16:23,635,011, T>C on the plus strand (A>G on the coding strand, the complement: PALB2 is on the minus strand). VCF-style: chr16-23635011-T-C. GRCh37 (hg19) VCF-style: chr16-23646332-T-C.
Other names: short protein forms Y512C.
Identifiers: ClinVar variation 1038783 (VCV001038783.7), dbSNP rs1966959384, ClinGen allele CA395130917.